The following is an entry in ClinVar:

NM_003000.3(SDHB):c.600G>T (p.Trp200Cys)

Gene: SDHB (succinate dehydrogenase complex iron sulfur subunit B; minus strand). Cytogenetic location: 1p36.13.
Variant type: single nucleotide variant.
Coding change: c.600G>T on transcript NM_003000.3 (MANE Select); coding-DNA position 600, G replaced by T.
Protein change: p.Trp200Cys; replaces tryptophan 200 with cysteine.
Molecular consequence: missense variant.
Genome position (GRCh38, 1-based): chr1:17,024,015, C>A on the plus strand (G>T on the coding strand, the complement: SDHB is on the minus strand). VCF-style: chr1-17024015-C-A. GRCh37 (hg19) VCF-style: chr1-17350510-C-A.
Other names: p.Trp200Cys; short protein forms W200C.
Identifiers: ClinVar variation 183747 (VCV000183747.36), dbSNP rs397516836, ClinGen allele CA016022.
Genomic context (GRCh38, chr1:17,024,015, plus strand): 5'-AATTAAGGAGCACCTCACCTGCATAAGAACTGCAGGCCCCAGATATTTGTCTCCGTTCCA[C>A]CAGTAGCTGGGGCAGCTGGTGCTACAGCAGGCACAGAGAATGCACTCGTAGAGCCCGTCC-3'
Protein context (NP_002991.2, residues 190-210): ACCSTSCPSY[Trp200Cys]WNGDKYLGPA

ClinVar aggregate classification (germline): Pathogenic/Likely pathogenic. Review status: criteria provided, multiple submitters, no conflicts (2 of 4 stars). 17 submissions from 17 submitters: Pathogenic (14); Likely pathogenic (2). 1 of the submissions does not count toward it. Last evaluated 2026-04-30.

Conditions:
Inherited phaeochromocytoma and paraganglioma excluding NF1.
Gastrointestinal stromal tumor. Also called: Gastrointestinal stromal tumor, somatic; Gastrointestinal stroma tumor. Identifiers: Orphanet 44890, MedGen C0238198, MeSH D046152, MONDO:0011719, OMIM 606764, HP:0100723.
Pheochromocytoma. Also called: MAX-Related Hereditary Paraganglioma-Pheochromocytoma Syndrome. Identifiers: Orphanet 29072, MedGen C0031511, MONDO:0008233, OMIM 171300, HP:0002666.
Pheochromocytoma/paraganglioma syndrome 4. Also called: Paragangliomas 4; PARAGANGLIOMA, FAMILIAL MALIGNANT; PARAGANGLIOMAS, HEREDITARY EXTRAADRENAL; PHEOCHROMOCYTOMA, FAMILIAL EXTRAADRENAL; SDHB-Related Hereditary Paraganglioma-Pheochromocytoma Syndrome; CAROTID BODY TUMORS AND MULTIPLE EXTRAADRENAL PHEOCHROMOCYTOMAS. Identifiers: Orphanet 29072, MedGen C1861848, MONDO:0007273, OMIM 115310.
Carney-Stratakis syndrome. Also called: PARAGANGLIOMA AND GASTROINTESTINAL STROMAL TUMOR. Identifiers: Orphanet 97286, MedGen C1847319, MONDO:0011740, OMIM 606864.
Mitochondrial complex 2 deficiency, nuclear type 4. Also called: MITOCHONDRIAL COMPLEX II DEFICIENCY, NUCLEAR TYPE 4. Identifiers: MedGen C5543176, MONDO:0030974, OMIM 619224.
Hereditary pheochromocytoma and paraganglioma. Also called: Hereditary Paraganglioma-Pheochromocytoma Syndromes; Hereditary paragangliomas and pheochromocytomas; Hereditary pheochromocytoma-paraganglioma. Identifiers: Orphanet 29072, MedGen C4274332, MONDO:0017366.
Hereditary cancer-predisposing syndrome. Also called: Tumor predisposition; Neoplastic Syndromes, Hereditary; Hereditary Cancer Syndrome; Hereditary neoplastic syndrome. Identifiers: Orphanet 140162, MedGen C0027672, MeSH D009386, MONDO:0015356.

Allele frequency attached by ClinVar (database versions not stated): gnomAD 0.00001; TOPMed 0.00001.
gnomAD v4.1: 11 of 1,613,960 alleles (0.00068%); highest among the groups gnomAD compares: African/African-American, 0.0013%; no homozygotes.

Submissions 1 to 8 of 17:

Cambridge Genomics Laboratory, East Genomic Laboratory Hub, NHS Genomic Medicine Service
Classification: Pathogenic for Inherited phaeochromocytoma and paraganglioma excluding NF1. Last evaluated: 2026-04-30. Review status: criteria provided, single submitter. Criteria: ACGS Best Practice Guidelines for Variant Classification in Rare Disease 2020. Collection method: clinical testing. Allele origin: germline. Affected: yes.
Comment: PM2_Supporting,PP3,PP4_Very Strong

Ambry Genetics
Classification: Pathogenic for Hereditary cancer-predisposing syndrome. Last evaluated: 2025-11-18. Review status: criteria provided, single submitter. Criteria: Ambry Variant Classification Scheme 2023. Collection method: clinical testing. Allele origin: germline.
Comment: The p.W200C pathogenic mutation (also known as c.600G>T), located in coding exon 6 of the SDHB gene, results from a G to T substitution at nucleotide position 600. The tryptophan at codon 200 is replaced by cysteine, an amino acid with highly dissimilar properties. This mutation has been detected in multiple individuals with paragangliomas (PGL), pheochromocytomas (PCC), gastrointestinal stromal tumors (GIST), other tumors associated with hereditary PGL-PCC syndrome, and has also been implicated in Carney triad (Timmers HJ et al. J. Clin. Endocrinol. Metab. 2007 Mar;92(3):779-786; Lodish MB et al. Endocr. Relat. Cancer. 2010 Sep;17(3):581-8; Drucker AM and Houlden RL. Nature Clin. Pract. Endocrinol. & Metab. 2006 Dec;2(12):702-6; Henderson A et al. Fam. Cancer 2009 Jan;8(3):257-60; Alrashdi I et al. Fam Cancer 2010 Sep;9(3):443-447; Janeway KA et al. Proc. Natl. Acad. Sci. U.S.A. 2011 Jan;108(1):314-8; Andrews KA et al. J. Med. Genet. 2018 Jan; Boikos SA et al. Eur. J. Hum. Genet. 2016 Apr;24(4):569-73). In addition to the clinical data presented in the literature, functional studies demonstrated rapid and significant loss of W200C mutant SDHB protein compared to wildtype in a protein stability cell based assay (Yang C et al. FASEB J. 2012 Nov;26(11):4506-16). This variant is considered to be rare based on population cohorts in the Genome Aggregation Database (gnomAD). Based on the supporting evidence, this alteration is interpreted as a disease-causing mutation.

Labcorp Genetics (formerly Invitae), Labcorp
Classification: Pathogenic for Gastrointestinal stromal tumor; Pheochromocytoma/paraganglioma syndrome 4; Pheochromocytoma. Last evaluated: 2025-11-18. Review status: criteria provided, single submitter. Criteria: Invitae Variant Classification Sherloc (09022015). Collection method: clinical testing. Allele origin: germline.
Comment: This sequence change replaces tryptophan, which is neutral and slightly polar, with cysteine, which is neutral and slightly polar, at codon 200 of the SDHB protein (p.Trp200Cys). This variant is not present in population databases (gnomAD no frequency). This missense change has been observed in individuals with paragangliomas (PMID: 17143317, 17200167, 18382370, 19184535, 19802898, 20119652, 21173220). ClinVar contains an entry for this variant (Variation ID: 183747). Invitae Evidence Modeling of protein sequence and biophysical properties (such as structural, functional, and spatial information, amino acid conservation, physicochemical variation, residue mobility, and thermodynamic stability) indicates that this missense variant is expected to disrupt SDHB protein function with a positive predictive value of 80%. Experimental studies have shown that this missense change affects SDHB function (PMID: 22835832). For these reasons, this variant has been classified as Pathogenic.

NHS Central & South Genomic Laboratory Hub
Classification: Pathogenic for Inherited phaeochromocytoma and paraganglioma excluding NF1. Last evaluated: 2025-10-21. Review status: criteria provided, single submitter. Criteria: ACMG Guidelines, 2015. Collection method: clinical testing. Allele origin: germline. Affected: yes.

Quest Diagnostics Nichols Institute San Juan Capistrano
Classification: Pathogenic. Last evaluated: 2025-09-19. Review status: criteria provided, single submitter. Criteria: Quest Diagnostics criteria. Collection method: clinical testing. Allele origin: unknown.
Comment: The SDHB c.600G>T (p.Trp200Cys) variant has been reported in the published literature in multiple unrelated individuals with paraganglioma-pheochromocytoma syndrome (PMID: 34906457 (2022), 32741965 (2020), 29386252 (2018), 30201732 (2018), 20418362 (2010), 20119652 (2010), 17143317 (2006), 18382370 (2008), 18840642 (2008)), including individuals with gastrointestinal stromal tumors (GIST) (PMID: 34095481 (2021), 27011036 (2016), 23282968 (2013), 21173220 (2011)). Assessment of experimental evidence suggests this variant results in abnormal protein function (PMID: 26749241 (2016), 22835832 (2012)). The frequency of this variant in the general population (Genome Aggregation Database) is consistent with pathogenicity. Analysis of this variant using bioinformatics tools for the prediction of the effect of amino acid changes on protein structure and function yielded predictions that this variant is damaging. Based on the available information, this variant is classified as pathogenic.

Color Diagnostics, LLC DBA Color Health
Classification: Pathogenic for Hereditary pheochromocytoma and paraganglioma. Last evaluated: 2025-09-16. Review status: criteria provided, single submitter. Criteria: ACMG Guidelines, 2015. Collection method: clinical testing. Allele origin: germline.
Comment: This missense variant replaces tryptophan with cysteine at codon 200 of the SDHB protein. Computational prediction suggests that this variant may have deleterious impact on protein structure and function. Functional studies have shown that this variant significantly reduces SDHB protein stability (PMID: 22835832). This variant has been reported in individuals affected with paragangliomas, pheochromocytomas, gastrointestinal stromal tumors, head and neck paragangliomas, and in individuals with Carney triad syndrome (PMID: 17143317, 17200167, 18382370, 19184535, 19802898, 20119652, 32741965, 34095481, 34308366, 34906457, 35441217). This variant has not been identified in the general population by the Genome Aggregation Database (gnomAD). Based on the available evidence, this variant is classified as Pathogenic.

Mayo Clinic Laboratories, Mayo Clinic
Classification: Likely pathogenic. Last evaluated: 2025-08-08. Review status: criteria provided, single submitter. Criteria: ACMG Guidelines, 2015. Collection method: clinical testing. Allele origin: germline. Observed: 1 variant allele.
Comment: PP3_moderate, PP4, PM2_supporting, PS4_moderate

Myriad Genetics, Inc.
Classification: Pathogenic for Pheochromocytoma/paraganglioma syndrome 4. Last evaluated: 2024-02-08. Review status: criteria provided, single submitter. Criteria: Myriad Autosomal Dominant, Autosomal Recessive and X-Linked Classification Criteria (2023). Collection method: clinical testing. Allele origin: unknown.
Comment: This variant is considered pathogenic. This variant has been reported in multiple individuals with clinical features of gene-specific disease [PMID: 17143317, 21173220, 19184535, 32741965]. Functional studies indicate this variant impacts protein function [PMID: 22835832]. This variant is expected to disrupt protein structure [Myriad internal data].